The following is an entry in ClinVar:

ClinVar aggregate classification (germline): Benign (1 of 4 stars; one submission).

Allele frequency attached by ClinVar (database versions not stated): gnomAD 0.48196 and 0.48238; TOPMed 0.48943; 1000 Genomes Project 0.51398; 1000 Genomes Project 30x 0.51765.
gnomAD v4.1: 73,083 of 151,784 alleles (48%); highest among the groups gnomAD compares: African/African-American, 59%; 18,021 homozygotes.

Submission:

GeneDx
Classification: Benign. Last evaluated: 2018-06-19. Review status: criteria provided, single submitter. Criteria: GeneDx Variant Classification (06012015). Collection method: clinical testing. Allele origin: germline. Affected: yes.
Comment: This variant is considered likely benign or benign based on one or more of the following criteria: it is a conservative change, it occurs at a poorly conserved position in the protein, it is predicted to be benign by multiple in silico algorithms, and/or has population frequency not consistent with disease.

NM_005045.4(RELN):c.1764-251A>G

Gene: RELN (reelin; minus strand). Cytogenetic location: 7q22.1.
Variant type: single nucleotide variant.
Coding change: c.1764-251A>G on transcript NM_005045.4 (MANE Select); 251 bases into the intron before coding-DNA position 1764, A replaced by G.
Molecular consequence: intron variant.
Genome position (GRCh38, 1-based): chr7:103,652,040, T>C on the plus strand (A>G on the coding strand, the complement: RELN is on the minus strand). VCF-style: chr7-103652040-T-C. GRCh37 (hg19) VCF-style: chr7-103292487-T-C.
Other names: c.1764-251A>G (NM_173054.3).
Identifiers: ClinVar variation 684058 (VCV000684058.1), dbSNP rs3919520, ClinGen allele CA12595034.
Genomic context (GRCh38, chr7:103,652,040, plus strand): 5'-TAAATTACTGCTATAAACAAACTATGTTTCAAAGACAACAAATGGTAACTTGAGTTTGTG[T>C]TCTTGAGTTTGATAGGTGGCAAGGCAATTACCATGTCTCACACTGTCACTTCATCCTGTG-3'